The following is an entry in ClinVar:

ClinVar aggregate classification (germline): Likely benign. Review status: criteria provided, single submitter (1 of 4 stars). 2 submissions from 2 submitters: Likely benign (1). 1 of the submissions does not count toward it. Last evaluated 2025-04-17.

Conditions:
ACTA1-related disorder. Also called: ACTA1-related condition.
Actin accumulation myopathy (CMYO2A). Also called: CONGENITAL MYOPATHY 2A, TYPICAL, AUTOSOMAL DOMINANT; Myopathy, actin, congenital, with cores; Nemaline myopathy 3, with intranuclear rods; Nemaline myopathy type 3; Myopathy, actin, congenital, with excess of thin myofilaments. Identifiers: Orphanet 98904, MedGen C3711389, MONDO:0008070, OMIM 161800.

Allele frequency attached by ClinVar (database versions not stated): TOPMed 0.00001.

Submissions (2):

Labcorp Genetics (formerly Invitae), Labcorp
Classification: Likely benign for Actin accumulation myopathy. Last evaluated: 2025-04-17. Review status: criteria provided, single submitter. Criteria: Invitae Variant Classification Sherloc (09022015). Collection method: clinical testing. Allele origin: germline.

PreventionGenetics, part of Exact Sciences
Classification: Likely benign for ACTA1-related condition. Last evaluated: 2021-09-10. Review status: no assertion criteria provided. Collection method: clinical testing. Allele origin: germline. Not counted in ClinVar's aggregate classification.
Comment: This variant is classified as likely benign based on ACMG/AMP sequence variant interpretation guidelines (Richards et al. 2015 PMID: 25741868, with internal and published modifications).

NM_001100.4(ACTA1):c.390C>T (p.Asn130=)

Gene: ACTA1 (actin alpha 1, skeletal muscle; minus strand). Cytogenetic location: 1q42.13.
Variant type: single nucleotide variant.
Coding change: c.390C>T on transcript NM_001100.4 (MANE Select); coding-DNA position 390, C replaced by T.
Protein change: p.Asn130=; no amino-acid change (asparagine 130 retained).
Molecular consequence: synonymous variant.
Genome position (GRCh38, 1-based): chr1:229,432,620, G>A on the plus strand (C>T on the coding strand, the complement: ACTA1 is on the minus strand). VCF-style: chr1-229432620-G-A. GRCh37 (hg19) VCF-style: chr1-229568367-G-A.
Identifiers: ClinVar variation 3029646 (VCV003029646.3), dbSNP rs1659974800, ClinGen allele CA423755119.